The following is an entry in ClinVar:

NM_004655.4(AXIN2):c.1644G>A (p.Glu548=)

Gene: AXIN2 (axin 2; minus strand). Cytogenetic location: 17q24.1.
Variant type: single nucleotide variant.
Coding change: c.1644G>A on transcript NM_004655.4 (MANE Select); coding-DNA position 1644, G replaced by A.
Protein change: p.Glu548=; no amino-acid change (glutamic acid 548 retained).
Molecular consequence: synonymous variant.
Genome position (GRCh38, 1-based): chr17:65,537,392, C>T on the plus strand (G>A on the coding strand, the complement: AXIN2 is on the minus strand). VCF-style: chr17-65537392-C-T. GRCh37 (hg19) VCF-style: chr17-63533510-C-T.
Other names: c.1644G>A, p.Glu548= (NM_001363813.1); c.1644G>A (LRG_296t1).
Identifiers: ClinVar variation 415220 (VCV000415220.15), dbSNP rs1060504486, ClinGen allele CA16615579.

ClinVar aggregate classification (germline): Benign/Likely benign. Review status: criteria provided, multiple submitters, no conflicts (2 of 4 stars). 3 submissions from 3 submitters: Benign (1); Likely benign (2). Last evaluated 2025-06-20.

Conditions:
Oligodontia-cancer predisposition syndrome. Also called: TOOTH AGENESIS-COLORECTAL CANCER SYNDROME. Identifiers: Orphanet 300576, MedGen C1837750, MONDO:0012075, OMIM 608615. Disease mechanism: loss of function.
Hereditary cancer-predisposing syndrome. Also called: Tumor predisposition; Neoplastic Syndromes, Hereditary; Hereditary neoplastic syndrome; Hereditary Cancer Syndrome. Identifiers: Orphanet 140162, MedGen C0027672, MeSH D009386, MONDO:0015356.

Allele frequency attached by ClinVar (database versions not stated): gnomAD exomes 0.00001.
gnomAD v4.1: 9 of 1,613,686 alleles (0.00056%); highest among the groups gnomAD compares: Non-Finnish European, 0.00076%; no homozygotes.

Submissions (3):

Labcorp Genetics (formerly Invitae), Labcorp
Classification: Likely benign for Oligodontia-cancer predisposition syndrome. Last evaluated: 2025-06-20. Review status: criteria provided, single submitter. Criteria: Invitae Variant Classification Sherloc (09022015). Collection method: clinical testing. Allele origin: germline.

Myriad Genetics, Inc.
Classification: Benign for Oligodontia-cancer predisposition syndrome. Last evaluated: 2024-07-05. Review status: criteria provided, single submitter. Criteria: Myriad Autosomal Dominant, Autosomal Recessive and X-Linked Classification Criteria (2023). Collection method: clinical testing. Allele origin: unknown.
Comment: This variant is considered benign. This variant is a silent/synonymous amino acid change and it is not expected to impact splicing.

Ambry Genetics
Classification: Likely benign for Hereditary cancer-predisposing syndrome. Last evaluated: 2020-09-15. Review status: criteria provided, single submitter. Criteria: Ambry Variant Classification Scheme 2023. Collection method: clinical testing. Allele origin: germline.